The following is an entry in ClinVar:

ClinVar aggregate classification (germline): Pathogenic (1 of 4 stars; one submission).

Conditions:
Tuberous sclerosis 2 (TSC2). Identifiers: Orphanet 805, MedGen C1860707, MONDO:0013199, OMIM 613254.

Submission:

Labcorp Genetics (formerly Invitae), Labcorp
Classification: Pathogenic for Tuberous sclerosis 2. Last evaluated: 2022-08-27. Review status: criteria provided, single submitter. Criteria: Invitae Variant Classification Sherloc (09022015). Collection method: clinical testing. Allele origin: germline.
Comment: This sequence change creates a premature translational stop signal (p.Tyr553*) in the TSC2 gene. It is expected to result in an absent or disrupted protein product. Loss-of-function variants in TSC2 are known to be pathogenic (PMID: 10205261, 17304050). This variant is not present in population databases (gnomAD no frequency). This variant has not been reported in the literature in individuals affected with TSC2-related conditions. For these reasons, this variant has been classified as Pathogenic.

Literature cited by the submitters: PubMed 10205261; PubMed 17304050.

NM_000548.5(TSC2):c.1659C>G (p.Tyr553Ter)

Gene: TSC2 (TSC complex subunit 2; plus strand). Cytogenetic location: 16p13.3.
Variant type: single nucleotide variant.
Coding change: c.1659C>G on transcript NM_000548.5 (MANE Select); coding-DNA position 1659, C replaced by G.
Protein change: p.Tyr553Ter; replaces tyrosine 553 with a stop codon.
Molecular consequence: nonsense.
Genome position (GRCh38, 1-based): chr16:2,065,578, C>G. VCF-style: chr16-2065578-C-G. GRCh37 (hg19) VCF-style: chr16-2115579-C-G.
Other names: c.1659C>G, p.Tyr553Ter (NM_001077183.3, NM_001114382.3, NM_001363528.2 and 6 more transcripts); c.1548C>G, p.Tyr516Ter (NM_001318827.2, NM_001406670.1, NM_001406678.1); c.1512C>G, p.Tyr504Ter (NM_001318829.2, NM_001406675.1, NM_001406676.1 and 1 more transcripts); c.1059C>G, p.Tyr353Ter (NM_001318831.2, NM_001406688.1, NM_001406680.1 and 6 more transcripts); c.1692C>G, p.Tyr564Ter (NM_001318832.2); c.1749C>G, p.Tyr583Ter (NM_001406667.1, NM_001406668.1); c.1647C>G, p.Tyr549Ter (NM_001406671.1, NM_001406673.1); c.1602C>G, p.Tyr534Ter (NM_001406677.1); and 3 more; short protein forms Y399*, Y504*, Y534*, Y549*, Y564*, Y19*, Y353*, Y583*.
Identifiers: ClinVar variation 2027350 (VCV002027350.4), dbSNP rs1358358656, ClinGen allele CA394268057.